The following is an entry in ClinVar:

ClinVar aggregate classification (germline): Uncertain significance (0 of 4 stars; one submission).

Conditions:
PKD1-related disorder. Also called: PKD1-related condition.

Allele frequency attached by ClinVar (database versions not stated): TOPMed below 0.00001.

Submission:

PreventionGenetics, part of Exact Sciences
Classification: Uncertain significance for PKD1-related condition. Last evaluated: 2023-10-26. Review status: no assertion criteria provided. Collection method: clinical testing. Allele origin: germline.
Comment: The PKD1 c.6649G>C variant is predicted to result in the amino acid substitution p.Val2217Leu. To our knowledge, this variant has not been reported in the literature or in a large population database, indicating this variant is rare. At this time, the clinical significance of this variant is uncertain due to the absence of conclusive functional and genetic evidence.

NM_001009944.3(PKD1):c.6649G>C (p.Val2217Leu)

Gene: PKD1 (polycystin 1, transient receptor potential channel interacting; minus strand). Cytogenetic location: 16p13.3.
Variant type: single nucleotide variant.
Coding change: c.6649G>C on transcript NM_001009944.3 (MANE Select); coding-DNA position 6649, G replaced by C.
Protein change: p.Val2217Leu; replaces valine 2217 with leucine.
Molecular consequence: missense variant.
Genome position (GRCh38, 1-based): chr16:2,108,518, C>G on the plus strand (G>C on the coding strand, the complement: PKD1 is on the minus strand). VCF-style: chr16-2108518-C-G. GRCh37 (hg19) VCF-style: chr16-2158519-C-G.
Other names: c.6649G>C, p.Val2217Leu (NM_000296.4); short protein forms V2217L.
Identifiers: ClinVar variation 3033792 (VCV003033792.2), dbSNP rs2092418622, ClinGen allele CA394373156.
Genomic context (GRCh38, chr16:2,108,518, plus strand): 5'-CAAATGACACGACAAACACAAAGCAGTAGTGCCCCACAGGCAGCGCCAGCCGCGGCAGCA[C>G]CAGCCGAGGCCGGCTCACGTCCACGCCGGGCAGGGCCACACGCGCTGGGCGCCCCGGCCG-3'
Protein context (NP_001009944.3, residues 2207-2227): PGVDVSRPRL[Val2217Leu]LPRLALPVGH